The following is an entry in ClinVar:

ClinVar aggregate classification (germline): Uncertain significance (1 of 4 stars; one submission).

Conditions:
Asphyxiating thoracic dystrophy 5 (SRTD5). Also called: SHORT-RIB THORACIC DYSPLASIA 5 WITH OR WITHOUT POLYDACTYLY; SHORT-RIB THORACIC DYSPLASIA 5 WITHOUT POLYDACTYLY. Identifiers: Orphanet 474, MedGen C3280598, MONDO:0013717, OMIM 614376.
Senior-Loken syndrome 8 (SLSN8). Identifiers: Orphanet 3156, MedGen C4225376, MONDO:0014579, OMIM 616307.

Submission:

Labcorp Genetics (formerly Invitae), Labcorp
Classification: Uncertain significance for Senior-Loken syndrome 8; Asphyxiating thoracic dystrophy 5. Last evaluated: 2022-11-01. Review status: criteria provided, single submitter. Criteria: Invitae Variant Classification Sherloc (09022015). Collection method: clinical testing. Allele origin: germline.
Comment: This variant is not present in population databases (gnomAD no frequency). This variant has not been reported in the literature in individuals affected with WDR19-related conditions. Advanced modeling of protein sequence and biophysical properties (such as structural, functional, and spatial information, amino acid conservation, physicochemical variation, residue mobility, and thermodynamic stability) performed at Invitae indicates that this missense variant is not expected to disrupt WDR19 protein function. In summary, the available evidence is currently insufficient to determine the role of this variant in disease. Therefore, it has been classified as a Variant of Uncertain Significance. This sequence change replaces cysteine, which is neutral and slightly polar, with serine, which is neutral and polar, at codon 476 of the WDR19 protein (p.Cys476Ser).

NM_025132.4(WDR19):c.1427G>C (p.Cys476Ser)

Gene: WDR19 (WD repeat domain 19; plus strand). Cytogenetic location: 4p14.
Variant type: single nucleotide variant.
Coding change: c.1427G>C on transcript NM_025132.4 (MANE Select); coding-DNA position 1427, G replaced by C.
Protein change: p.Cys476Ser; replaces cysteine 476 with serine.
Molecular consequence: missense variant.
Genome position (GRCh38, 1-based): chr4:39,218,053, G>C. VCF-style: chr4-39218053-G-C. GRCh37 (hg19) VCF-style: chr4-39219673-G-C.
Other names: c.947G>C, p.Cys316Ser (NM_001317924.2); short protein forms C316S, C476S.
Identifiers: ClinVar variation 2108693 (VCV002108693.4), dbSNP rs2475138152, ClinGen allele CA356631214.